The following is an entry in ClinVar:

NM_017849.4(TMEM127):c.699C>G (p.Pro233=)

Gene: TMEM127 (transmembrane protein 127; minus strand). Cytogenetic location: 2q11.2.
Variant type: single nucleotide variant.
Coding change: c.699C>G on transcript NM_017849.4 (MANE Select); coding-DNA position 699, C replaced by G.
Protein change: p.Pro233=; no amino-acid change (proline 233 retained).
Molecular consequence: synonymous variant.
Genome position (GRCh38, 1-based): chr2:96,253,826, G>C on the plus strand (C>G on the coding strand, the complement: TMEM127 is on the minus strand). VCF-style: chr2-96253826-G-C. GRCh37 (hg19) VCF-style: chr2-96919564-G-C.
Other names: c.447C>G, p.Pro149= (NM_001407283.1, NM_001407282.1); c.699C>G, p.Pro233= (NM_001193304.3).
Identifiers: ClinVar variation 2898040 (VCV002898040.5), dbSNP rs745578822, ClinGen allele CA427495218.

ClinVar aggregate classification (germline): Benign/Likely benign. Review status: criteria provided, multiple submitters, no conflicts (2 of 4 stars). 3 submissions from 3 submitters: Benign (1); Likely benign (2). Last evaluated 2026-07-30.

Conditions:
Hereditary pheochromocytoma and paraganglioma. Also called: Hereditary paragangliomas and pheochromocytomas; Hereditary Paraganglioma-Pheochromocytoma Syndromes; Hereditary pheochromocytoma-paraganglioma. Identifiers: Orphanet 29072, MedGen C4274332, MONDO:0017366.
Hereditary cancer-predisposing syndrome. Also called: Neoplastic Syndromes, Hereditary; Tumor predisposition; Hereditary Cancer Syndrome; Hereditary neoplastic syndrome. Identifiers: Orphanet 140162, MedGen C0027672, MeSH D009386, MONDO:0015356.

Submissions (3):

Myriad Genetics, Inc.
Classification: Benign for Hereditary pheochromocytoma and paraganglioma. Last evaluated: 2026-07-30. Review status: criteria provided, single submitter. Criteria: Myriad Autosomal Dominant, Autosomal Recessive and X-Linked Classification Criteria (2023). Collection method: clinical testing. Allele origin: unknown.
Comment: This variant is considered benign. This variant is a silent/synonymous amino acid change and it is not expected to impact splicing.

Labcorp Genetics (formerly Invitae), Labcorp
Classification: Likely benign for Hereditary pheochromocytoma and paraganglioma. Last evaluated: 2025-07-30. Review status: criteria provided, single submitter. Criteria: Invitae Variant Classification Sherloc (09022015). Collection method: clinical testing. Allele origin: germline.

Ambry Genetics
Classification: Likely benign for Hereditary cancer-predisposing syndrome. Last evaluated: 2024-06-28. Review status: criteria provided, single submitter. Criteria: Ambry Variant Classification Scheme 2023. Collection method: clinical testing. Allele origin: germline.